The following is an entry in ClinVar:

NM_144508.5(KNL1):c.5288C>T (p.Thr1763Met)

Gene: KNL1 (kinetochore scaffold 1; plus strand). Cytogenetic location: 15q15.1.
Variant type: single nucleotide variant.
Coding change: c.5288C>T on transcript NM_144508.5 (MANE Select); coding-DNA position 5288, C replaced by T.
Protein change: p.Thr1763Met; replaces threonine 1763 with methionine.
Molecular consequence: missense variant.
Genome position (GRCh38, 1-based): chr15:40,625,552, C>T. VCF-style: chr15-40625552-C-T. GRCh37 (hg19) VCF-style: chr15-40917750-C-T.
Other names: c.5366C>T, p.Thr1789Met (NM_170589.5); short protein forms T1763M, T1789M.
Identifiers: ClinVar variation 2505657 (VCV002505657.1), dbSNP rs767420581, ClinGen allele CA7483320.
Genomic context (GRCh38, chr15:40,625,552, plus strand): 5'-AAAAAGAGATTTCACCATATGAAAATAAAATGGGAAAAACTTGCAATAGCCAAAAAAGAA[C>T]GTGGGTACAAGAAGAAGAAGATATTCATAAGGAGAAAAAAATCAGAAAAAATGAGATTAA-3'
Protein context (NP_653091.3, residues 1753-1773): MGKTCNSQKR[Thr1763Met]WVQEEEDIHK

ClinVar aggregate classification (germline): Uncertain significance (1 of 4 stars; one submission).

Allele frequency attached by ClinVar (database versions not stated): ExAC 0.00005; gnomAD exomes 0.00005; gnomAD 0.00006; TOPMed 0.00010.
gnomAD v4.1: 75 of 1,606,964 alleles (0.0047%); highest among the groups gnomAD compares: Admixed American, 0.026%; no homozygotes.

Submission:

GeneDx
Classification: Uncertain significance. Last evaluated: 2022-12-19. Review status: criteria provided, single submitter. Criteria: GeneDx Variant Classification Process June 2021. Collection method: clinical testing. Allele origin: germline. Affected: yes.
Comment: In silico analysis supports that this missense variant has a deleterious effect on protein structure/function; Has not been previously published as pathogenic or benign to our knowledge